The following is an entry in ClinVar:

ClinVar aggregate classification (germline): Uncertain significance (1 of 4 stars; one submission).

Conditions:
Asphyxiating thoracic dystrophy 2 (SRTD2). Also called: SHORT-RIB THORACIC DYSPLASIA 2 WITH OR WITHOUT POLYDACTYLY; SHORT-RIB THORACIC DYSPLASIA 2 WITH POLYDACTYLY; SHORT-RIB THORACIC DYSPLASIA 2 WITHOUT POLYDACTYLY. Identifiers: Orphanet 474, MedGen C1970005, MONDO:0012644, OMIM 611263.

gnomAD v4.1: 3 of 1,423,922 alleles (0.00021%); highest among the groups gnomAD compares: East Asian, 0.0068%; no homozygotes.

Submission:

Juno Genomics, Hangzhou Juno Genomics, Inc
Classification: Uncertain significance for Asphyxiating thoracic dystrophy 2. Review status: criteria provided, single submitter. Criteria: ACMG Guidelines, 2015. Collection method: clinical testing. Allele origin: germline.
Comment: Null variant in a gene where loss of function (LOF) is a known mechanism of disease.;Absent from controls (or at extremely low frequency if recessive) in Genome Aggregation Database.

NM_020800.3(IFT80):c.639+1G>A

Genes: IFT80 (intraflagellar transport 80; minus strand), TRIM59-IFT80 (TRIM59-IFT80 readthrough (NMD candidate); minus strand). Cytogenetic location: 3q25.33.
Variant type: single nucleotide variant.
Coding change: c.639+1G>A on transcript NM_020800.3 (MANE Select); the canonical splice donor site of the intron after coding-DNA position 639, G replaced by A.
Molecular consequence: splice donor variant.
Genome position (GRCh38, 1-based): chr3:160,357,488, C>T on the plus strand (G>A on the coding strand, the complement: IFT80 is on the minus strand). VCF-style: chr3-160357488-C-T. GRCh37 (hg19) VCF-style: chr3-160075276-C-T.
Other names: c.228+1G>A (NM_001190241.2, NM_001190242.2).
Identifiers: ClinVar variation 5006575 (VCV005006575.2).